The following is an entry in ClinVar:

ClinVar aggregate classification (germline): Pathogenic (1 of 4 stars; one submission).

Conditions:
Familial intrahepatic cholestasis. Identifiers: Orphanet 284385, MedGen CN296401, MONDO:0017290.

Submission:

Genomenon, Inc
Classification: Pathogenic for Familial intrahepatic cholestasis. Last evaluated: 2026-04-14. Review status: criteria provided, single submitter. Criteria: Genomenon Sequence Variant Interpretation Standards - Updated. Collection method: curation. Allele origin: germline. Affected: yes.
Comment: ABCB11 p.Ser1100GlnfsTer38 (c.3297del) is a frameshift variant that results in the production of a truncated protein which is predicted to undergo nonsense-mediated mRNA decay. This variant has been observed in at least one proband with an ABCB11-related disorder (PMID:27493120). It is absent or not present at a significant frequency in gnomAD. In conclusion, we classify ABCB11 p.Ser1100GlnfsTer38 (c.3297del) as a pathogenic variant.

Literature cited by the submitters: PubMed 27493120.

NM_003742.4(ABCB11):c.3297del (p.Ser1100fs)

Gene: ABCB11 (ATP binding cassette subfamily B member 11; minus strand). Cytogenetic location: 2q31.1.
Variant type: Deletion.
Coding change: c.3297del on transcript NM_003742.4 (MANE Select); coding-DNA position 3297, one base deleted (C; older notation c.3297delC).
Protein change: p.Ser1100fs; shifts the reading frame from serine 1100.
Molecular consequence: frameshift variant.
Genome position (GRCh38, 1-based): chr2:168,930,779, G deleted on the plus strand (C on the coding strand, the reverse complement: ABCB11 is on the minus strand). VCF-style (leftmost placement, unchanged base first): chr2-168930778-AG-A. GRCh37 (hg19) VCF-style: chr2-169787288-AG-A.
Other names: short protein forms S1100fs.
Identifiers: ClinVar variation 4846166 (VCV004846166.1).
Genomic context (GRCh38, chr2:168,930,778, plus strand): 5'-TTTTGCCACATCCACTGCTCCCAACAAACGCCAGTGTCTGCCCTGGACTAATCGACACTG[AG>A]AGACCATTCAGAACTTGCGAGTCAGGTCGAGAAGGATATGTAAATTTACAATCAACAAAA-3'